The following is an entry in ClinVar:

NM_004577.4(PSPH):c.673G>C (p.Glu225Gln)

Gene: PSPH (phosphoserine phosphatase; minus strand). Cytogenetic location: 7p11.2.
Variant type: single nucleotide variant.
Coding change: c.673G>C on transcript NM_004577.4 (MANE Select); coding-DNA position 673, G replaced by C.
Protein change: p.Glu225Gln; replaces glutamic acid 225 with glutamine.
Molecular consequence: missense variant.
Genome position (GRCh38, 1-based): chr7:56,011,767, C>G on the plus strand (G>C on the coding strand, the complement: PSPH is on the minus strand). VCF-style: chr7-56011767-C-G. GRCh37 (hg19) VCF-style: chr7-56079460-C-G.
Other names: c.673G>C, p.Glu225Gln (NM_001370503.1, NM_001370504.1, NM_001370505.1 and 17 more transcripts); short protein forms E225Q.
Identifiers: ClinVar variation 999748 (VCV000999748.9), dbSNP rs536712417, ClinGen allele CA367595219.
Genomic context (GRCh38, chr7:56,011,767, plus strand): 5'-TGTATAACTTGTAAAAATTCATCTGAAGTTGTTTGGAGCTGTACGACAATGGATGTTATT[C>G]TTCCAGTTCTCCCAGCAGCTCTACAAAATCAGTGATATACCATTTGGCGTTATCCTTGAC-3'
Protein context (NP_004568.2, residues 215-225): DFVELLGELE[Glu225Gln]

ClinVar aggregate classification (germline): Uncertain significance (1 of 4 stars; one submission).

Conditions:
Deficiency of phosphoserine phosphatase (PSPHD). Also called: Phosphoserine phosphatase deficiency; PSPH deficiency. Identifiers: Orphanet 79350, MedGen C1291463, MONDO:0013531, OMIM 614023.

Submission:

Labcorp Genetics (formerly Invitae), Labcorp
Classification: Uncertain significance for Deficiency of phosphoserine phosphatase. Last evaluated: 2022-11-29. Review status: criteria provided, single submitter. Criteria: Invitae Variant Classification Sherloc (09022015). Collection method: clinical testing. Allele origin: germline.
Comment: This sequence change replaces glutamic acid, which is acidic and polar, with glutamine, which is neutral and polar, at codon 225 of the PSPH protein (p.Glu225Gln). In summary, the available evidence is currently insufficient to determine the role of this variant in disease. Therefore, it has been classified as a Variant of Uncertain Significance. This variant is not present in population databases (gnomAD no frequency). This variant has not been reported in the literature in individuals affected with PSPH-related conditions. ClinVar contains an entry for this variant (Variation ID: 999748). Algorithms developed to predict the effect of missense changes on protein structure and function (SIFT, PolyPhen-2, Align-GVGD) all suggest that this variant is likely to be tolerated.